The following is an entry in ClinVar:

ClinVar aggregate classification (germline): Pathogenic. Review status: criteria provided, multiple submitters, no conflicts (2 of 4 stars). 2 submissions from 2 submitters: Pathogenic (2). Last evaluated 2026-01-16.

Conditions:
Neurofibromatosis, type 1 (NF1). Also called: VON RECKLINGHAUSEN DISEASE; NEUROFIBROMATOSIS, TYPE I, SOMATIC; Neurofibromatosis, type I; Peripheral type neurofibromatosis. Identifiers: Orphanet 636, MedGen C0027831, MONDO:0018975, OMIM 162200. Disease mechanism: loss of function.

Submissions (2):

Labcorp Genetics (formerly Invitae), Labcorp
Classification: Pathogenic for Neurofibromatosis, type 1. Last evaluated: 2026-01-16. Review status: criteria provided, single submitter. Criteria: Invitae Variant Classification Sherloc (09022015). Collection method: clinical testing. Allele origin: germline.
Comment: This sequence change creates a premature translational stop signal (p.Leu2324*) in the NF1 gene. It is expected to result in an absent or disrupted protein product. Loss-of-function variants in NF1 are known to be pathogenic (PMID: 10712197, 23913538). This variant is not present in population databases (gnomAD no frequency). This variant has not been reported in the literature in individuals affected with NF1-related conditions. ClinVar contains an entry for this variant (Variation ID: 451275). For these reasons, this variant has been classified as Pathogenic.

GeneDx
Classification: Pathogenic. Last evaluated: 2017-08-11. Review status: criteria provided, single submitter. Criteria: GeneDx Variant Classification (06012015). Collection method: clinical testing. Allele origin: germline. Affected: yes.
Comment: The L2324X variant in the NF1 gene has not been published as a pathogenic variant, nor has it been reported as abenign variant to our knowledge. The substitution creates a nonsense variant, which changes a Leucine to a prematurestop codon (TTA>TGA), and is predicted to cause loss of normal protein function through either protein truncationor nonsense-mediated mRNA decay. The L2324X variant is not observed in large population cohorts (Lek et al.,2016; 1000 Genomes Consortium et al., 2015; Exome Variant Server). Based on currently available evidence, weconsider L2324X to be pathogenic

Literature cited by the submitters: PubMed 10712197 (cited by Labcorp Genetics (formerly Invitae), Labcorp); PubMed 23913538 (cited by Labcorp Genetics (formerly Invitae), Labcorp).

NM_001042492.3(NF1):c.7034T>G (p.Leu2345Ter)

Gene: NF1 (neurofibromin 1; plus strand). Cytogenetic location: 17q11.2.
Variant type: single nucleotide variant.
Coding change: c.7034T>G on transcript NM_001042492.3 (MANE Select); coding-DNA position 7034, T replaced by G.
Protein change: p.Leu2345Ter; replaces leucine 2345 with a stop codon.
Molecular consequence: nonsense.
Genome position (GRCh38, 1-based): chr17:31,340,617, T>G. VCF-style: chr17-31340617-T-G. GRCh37 (hg19) VCF-style: chr17-29667635-T-G.
Other names: c.6971T>G, p.Leu2324Ter (NM_000267.4); short protein forms L2324*, L2345*.
Identifiers: ClinVar variation 451275 (VCV000451275.3), dbSNP rs1555535195, ClinGen allele CA399015134.
Genomic context (GRCh38, chr17:31,340,617, plus strand): 5'-TTGATGAGGTCAACTTGTATTCAGCAGGTACCGCACTTCTTGAACAAAACCTGCATACTT[T>G]AGATAGTCTCCGTATATTCAATGACAAGGTAAGCAAACTTTGCCTTGAGGTTCCTAGATT-3'